The following is an entry in ClinVar:

ClinVar aggregate classification (germline): Uncertain significance (1 of 4 stars; one submission).

Allele frequency attached by ClinVar (database versions not stated): gnomAD 0.00001; TOPMed 0.00001.
gnomAD v4.1: 8 of 1,611,164 alleles (0.0005%); highest among the groups gnomAD compares: Non-Finnish European, 0.00059%; no homozygotes.

Submission:

Labcorp Genetics (formerly Invitae), Labcorp
Classification: Uncertain significance. Last evaluated: 2023-11-25. Review status: criteria provided, single submitter. Criteria: Invitae Variant Classification Sherloc (09022015). Collection method: clinical testing. Allele origin: germline.
Comment: This sequence change replaces valine, which is neutral and non-polar, with leucine, which is neutral and non-polar, at codon 221 of the PSMG2 protein (p.Val221Leu). This variant is present in population databases (no rsID available, gnomAD 0.002%). This variant has not been reported in the literature in individuals affected with PSMG2-related conditions. An algorithm developed to predict the effect of missense changes on protein structure and function (PolyPhen-2) suggests that this variant is likely to be tolerated. In summary, the available evidence is currently insufficient to determine the role of this variant in disease. Therefore, it has been classified as a Variant of Uncertain Significance.

NM_020232.5(PSMG2):c.661G>C (p.Val221Leu)

Gene: PSMG2 (proteasome assembly chaperone 2; plus strand). Cytogenetic location: 18p11.21.
Variant type: single nucleotide variant.
Coding change: c.661G>C on transcript NM_020232.5 (MANE Select); coding-DNA position 661, G replaced by C.
Protein change: p.Val221Leu; replaces valine 221 with leucine.
Molecular consequence: missense variant.
Genome position (GRCh38, 1-based): chr18:12,724,578, G>C. VCF-style: chr18-12724578-G-C. GRCh37 (hg19) VCF-style: chr18-12724577-G-C.
Other names: c.568G>C, p.Val190Leu (NM_147163.2); short protein forms V190L, V221L.
Identifiers: ClinVar variation 2775499 (VCV002775499.3), dbSNP rs932181990, ClinGen allele CA296726699.